The following is an entry in ClinVar:

ClinVar aggregate classification (germline): Uncertain significance. Review status: criteria provided, multiple submitters, no conflicts (2 of 4 stars). 3 submissions from 3 submitters: Uncertain significance (3). Last evaluated 2026-04-28.

Conditions:
CLPB-related disorder. Also called: CLPB-related condition.
3-methylglutaconic aciduria, type VIIB (MGCA7B). Also called: CLPB Deficiency; 3-methylglutaconic aciduria with cataracts, neurologic involvement and neutropenia; 3-methylglutaconic aciduria, type VII, with cataracts, neurologic involvement and neutropenia. Identifiers: Orphanet 445038, MedGen C5676893, MONDO:0014561, OMIM 616271.

gnomAD v4.1: 8 of 1,611,970 alleles (0.0005%); highest among the groups gnomAD compares: East Asian, 0.018%; no homozygotes.

Submissions (3):

PreventionGenetics, part of Exact Sciences
Classification: Uncertain significance for CLPB-related condition. Last evaluated: 2026-04-28. Review status: criteria provided, single submitter. Criteria: ACMG Guidelines, 2015. Collection method: clinical testing. Allele origin: germline.
Comment: The CLPB c.998A>T variant is predicted to result in the amino acid substitution p.Glu333Val. To our knowledge, this variant has not been reported in the literature. This variant is reported in 0.035% of alleles in individuals of East Asian descent in gnomAD. At this time, the clinical significance of this variant is uncertain due to the absence of conclusive functional and genetic evidence.

Labcorp Genetics (formerly Invitae), Labcorp
Classification: Uncertain significance for 3-methylglutaconic aciduria, type VIIB. Last evaluated: 2026-01-27. Review status: criteria provided, single submitter. Criteria: Invitae Variant Classification Sherloc (09022015). Collection method: clinical testing. Allele origin: germline.
Comment: This sequence change replaces glutamic acid, which is acidic and polar, with valine, which is neutral and non-polar, at codon 333 of the CLPB protein (p.Glu333Val). This variant is present in population databases (rs144712077, gnomAD 0.03%). This variant has not been reported in the literature in individuals affected with CLPB-related conditions. ClinVar contains an entry for this variant (Variation ID: 1405738). An algorithm developed to predict the effect of missense changes on protein structure and function (PolyPhen-2) suggests that this variant is likely to be disruptive. In summary, the available evidence is currently insufficient to determine the role of this variant in disease. Therefore, it has been classified as a Variant of Uncertain Significance.

Blueprint Genetics
Classification: Uncertain significance. Last evaluated: 2023-01-12. Review status: criteria provided, single submitter. Criteria: ACMG Guidelines, 2015. Collection method: clinical testing. Allele origin: germline.

NM_001258392.3(CLPB):c.908A>T (p.Glu303Val)

Gene: CLPB (ClpB family mitochondrial disaggregase; minus strand). Cytogenetic location: 11q13.4.
Variant type: single nucleotide variant.
Coding change: c.908A>T on transcript NM_001258392.3 (MANE Select); coding-DNA position 908, A replaced by T.
Protein change: p.Glu303Val; replaces glutamic acid 303 with valine.
Molecular consequence: missense variant.
Genome position (GRCh38, 1-based): chr11:72,317,186, T>A on the plus strand (A>T on the coding strand, the complement: CLPB is on the minus strand). VCF-style: chr11-72317186-T-A. GRCh37 (hg19) VCF-style: chr11-72028230-T-A.
Other names: c.821A>T, p.Glu274Val (NM_001258393.3); c.863A>T, p.Glu288Val (NM_001258394.3); c.998A>T, p.Glu333Val (NM_030813.6); c.998A>T (NM_030813.5); short protein forms E333V, E274V, E303V, E288V.
Identifiers: ClinVar variation 1405738 (VCV001405738.10), dbSNP rs144712077, ClinGen allele CA6171333.